The following is an entry in ClinVar:

NM_173648.4(CCDC141):c.329G>A (p.Gly110Asp)

Gene: CCDC141 (coiled-coil domain containing 141; minus strand). Cytogenetic location: 2q31.2.
Variant type: single nucleotide variant.
Coding change: c.329G>A on transcript NM_173648.4 (MANE Select); coding-DNA position 329, G replaced by A.
Protein change: p.Gly110Asp; replaces glycine 110 with aspartic acid.
Molecular consequence: missense variant.
Genome position (GRCh38, 1-based): chr2:178,978,572, C>T on the plus strand (G>A on the coding strand, the complement: CCDC141 is on the minus strand). VCF-style: chr2-178978572-C-T. GRCh37 (hg19) VCF-style: chr2-179843299-C-T.
Other names: c.329G>A, p.Gly110Asp (NM_001316745.2); short protein forms G110D.
Identifiers: ClinVar variation 2970120 (VCV002970120.3), dbSNP rs1254636726, ClinGen allele CA349710815.

ClinVar aggregate classification (germline): Uncertain significance (1 of 4 stars; one submission).

gnomAD v4.1: 1 of 1,549,968 alleles (0.000065%); highest among the groups gnomAD compares: Non-Finnish European, 0.000087%; no homozygotes.

Submission:

Labcorp Genetics (formerly Invitae), Labcorp
Classification: Uncertain significance. Last evaluated: 2023-03-13. Review status: criteria provided, single submitter. Criteria: Invitae Variant Classification Sherloc (09022015). Collection method: clinical testing. Allele origin: germline.
Comment: This sequence change replaces glycine, which is neutral and non-polar, with aspartic acid, which is acidic and polar, at codon 110 of the CCDC141 protein (p.Gly110Asp). This variant is present in population databases (no rsID available, gnomAD 0.007%). In summary, the available evidence is currently insufficient to determine the role of this variant in disease. Therefore, it has been classified as a Variant of Uncertain Significance. An algorithm developed to predict the effect of missense changes on protein structure and function (PolyPhen-2) suggests that this variant is likely to be disruptive. This variant has not been reported in the literature in individuals affected with CCDC141-related conditions.